The following is an entry in ClinVar:

NM_000465.4(BARD1):c.1802A>G (p.Asp601Gly)

Gene: BARD1 (BRCA1 associated RING domain 1; minus strand). Cytogenetic location: 2q35.
Variant type: single nucleotide variant.
Coding change: c.1802A>G on transcript NM_000465.4 (MANE Select); coding-DNA position 1802, A replaced by G.
Protein change: p.Asp601Gly; replaces aspartic acid 601 with glycine.
Molecular consequence: missense variant. On other transcripts: non-coding transcript variant (3), intron variant (1).
Genome position (GRCh38, 1-based): chr2:214,745,730, T>C on the plus strand (A>G on the coding strand, the complement: BARD1 is on the minus strand). VCF-style: chr2-214745730-T-C. GRCh37 (hg19) VCF-style: chr2-215610454-T-C.
Other names: c.1745A>G, p.Asp582Gly (NM_001282543.2); c.449A>G, p.Asp150Gly (NM_001282545.2); c.392A>G, p.Asp131Gly (NM_001282548.2); c.365-15222A>G (NM_001282549.2); c.1802A>G (NM_000465.2); short protein forms D601G, D131G, D582G, D150G.
Identifiers: ClinVar variation 460723 (VCV000460723.20), dbSNP rs767765131, ClinGen allele CA2090170.

ClinVar aggregate classification (germline): Conflicting classifications of pathogenicity. Review status: criteria provided, conflicting classifications (1 of 4 stars). 7 submissions from 7 submitters: Pathogenic (1); Uncertain significance (6). Last evaluated 2025-07-29.

Conditions:
Hereditary cancer-predisposing syndrome. Also called: Neoplastic Syndromes, Hereditary; Tumor predisposition; Hereditary Cancer Syndrome; Hereditary neoplastic syndrome. Identifiers: Orphanet 140162, MedGen C0027672, MeSH D009386, MONDO:0015356.
Familial cancer of breast. Also called: BREAST CANCER, FAMILIAL; hereditary breast carcinoma; Hereditary breast cancer. Identifiers: Orphanet 227535, MedGen C0346153, MONDO:0016419, OMIM 114480. Disease mechanism: loss of function.

Allele frequency attached by ClinVar (database versions not stated): gnomAD exomes below 0.00001 and 0.00001; ExAC 0.00002.
gnomAD v4.1: 2 of 1,614,086 alleles (0.00012%); highest among the groups gnomAD compares: Non-Finnish European, 0.00017%; no homozygotes.

Submissions (7):

Labcorp Genetics (formerly Invitae), Labcorp
Classification: Uncertain significance for Familial cancer of breast. Last evaluated: 2025-07-29. Review status: criteria provided, single submitter. Criteria: Invitae Variant Classification Sherloc (09022015). Collection method: clinical testing. Allele origin: germline.
Comment: This sequence change replaces aspartic acid, which is acidic and polar, with glycine, which is neutral and non-polar, at codon 601 of the BARD1 protein (p.Asp601Gly). This variant is present in population databases (rs767765131, gnomAD 0.002%). This variant has not been reported in the literature in individuals affected with BARD1-related conditions. ClinVar contains an entry for this variant (Variation ID: 460723). An algorithm developed to predict the effect of missense changes on protein structure and function (PolyPhen-2) suggests that this variant is likely to be disruptive. In summary, the available evidence is currently insufficient to determine the role of this variant in disease. Therefore, it has been classified as a Variant of Uncertain Significance.

Department of Genetics and Molecular Biology, Isfahan University of Medical Sciences
Classification: Pathogenic for Familial cancer of breast. Last evaluated: 2024-11-10. Review status: criteria provided, single submitter. Criteria: ACMG Guidelines, 2015. Collection method: clinical testing. Allele origin: germline. Inheritance: Autosomal dominant inheritance. Affected: yes. Observed: 1 heterozygote.
Comment: Analyzing the data obtained from ES identified a novel heterozygous single nucleotide substitution variant (c.1802T>C, p.D601G) in exon 8 of BARD1 gene. This variant is absent in the 1000G nor ExAC databases. The pathogenicity effects of this variant was confirmed according to the ACMG guidelines (met PS1, PS4, PM1, PM2, PP3, and PP4 criteria).

Ambry Genetics
Classification: Uncertain significance for Hereditary cancer-predisposing syndrome. Last evaluated: 2024-01-30. Review status: criteria provided, single submitter. Criteria: Ambry Variant Classification Scheme 2023. Collection method: clinical testing. Allele origin: germline.
Comment: The p.D601G variant (also known as c.1802A>G), located in coding exon 8 of the BARD1 gene, results from an A to G substitution at nucleotide position 1802. The aspartic acid at codon 601 is replaced by glycine, an amino acid with similar properties. This amino acid position is not well conserved in available vertebrate species. In addition, this alteration is predicted to be tolerated by in silico analysis. Since supporting evidence is limited at this time, the clinical significance of this alteration remains unclear.

GeneDx
Classification: Uncertain significance. Last evaluated: 2023-07-26. Review status: criteria provided, single submitter. Criteria: GeneDx Variant Classification Process June 2021. Collection method: clinical testing. Allele origin: germline. Affected: yes.
Comment: Not observed at significant frequency in large population cohorts (gnomAD); In silico analysis supports that this missense variant has a deleterious effect on protein structure/function; Has not been previously published as pathogenic or benign to our knowledge; This variant is associated with the following publications: (PMID: 29292755)

Color Diagnostics, LLC DBA Color Health
Classification: Uncertain significance for Hereditary cancer-predisposing syndrome. Last evaluated: 2020-01-28. Review status: criteria provided, single submitter. Criteria: ACMG Guidelines, 2015. Collection method: clinical testing. Allele origin: germline.
Comment: This missense variant replaces aspartic acid with glycine at codon 601 of the BARD1 protein. Computational prediction suggests that this variant may not impact protein structure and function (internally defined REVEL score threshold <= 0.5, PMID: 27666373). Splice site prediction tools suggest that this variant may not impact RNA splicing. To our knowledge, functional studies have not been performed for this variant. This variant has not been reported in individuals affected with hereditary cancer in the literature. This variant has been identified in 2/251160 chromosomes in the general population by the Genome Aggregation Database (gnomAD). The available evidence is insufficient to determine the role of this variant in disease conclusively. Therefore, this variant is classified as a Variant of Uncertain Significance.

Fulgent Genetics
Classification: Uncertain significance for Familial cancer of breast. Last evaluated: 2018-10-31. Review status: criteria provided, single submitter. Criteria: ACMG Guidelines, 2015. Collection method: clinical testing. Allele origin: unknown.

Mendelics
Classification: Uncertain significance for Familial cancer of breast. Last evaluated: 2018-07-02. Review status: criteria provided, single submitter. Criteria: Mendelics Assertion Criteria 2017. Collection method: clinical testing. Allele origin: unknown.

Literature cited by the submitters: DOI 10.1371/journal.pgen.1008049 (cited by Department of Genetics and Molecular Biology, Isfahan University of Medical Sciences).